The following is an entry in ClinVar:

NC_000015.10:g.84817316G>A

Gene: ALPK3 (alpha kinase 3; plus strand). Cytogenetic location: 15q25.3.
Variant type: single nucleotide variant.
Genome position: GRCh38 VCF-style: chr15-84817316-G-A. GRCh37 (hg19) VCF-style: chr15-85360547-G-A.
Identifiers: ClinVar variation 3674944 (VCV003674944.2).

ClinVar aggregate classification (germline): Uncertain significance (1 of 4 stars; one submission).

Submission:

Labcorp Genetics (formerly Invitae), Labcorp
Classification: Uncertain significance. Last evaluated: 2024-04-24. Review status: criteria provided, single submitter. Criteria: Invitae Variant Classification Sherloc (09022015). Collection method: clinical testing. Allele origin: germline.
Comment: This sequence change replaces arginine, which is basic and polar, with glutamine, which is neutral and polar, at codon 157 of the ALPK3 protein (p.Arg157Gln). This variant is not present in population databases (gnomAD no frequency). This variant has not been reported in the literature in individuals affected with ALPK3-related conditions. An algorithm developed to predict the effect of missense changes on protein structure and function (PolyPhen-2) suggests that this variant is likely to be tolerated. In summary, the available evidence is currently insufficient to determine the role of this variant in disease. Therefore, it has been classified as a Variant of Uncertain Significance.